The following is an entry in ClinVar:

ClinVar aggregate classification (germline): Likely pathogenic (1 of 4 stars; one submission).

Conditions:
Autosomal recessive polycystic kidney disease (ARPKD). Also called: AR polycystic kidney disease. Identifiers: Orphanet 731, Orphanet 8378, MedGen C0085548, MeSH D017044, MONDO:0009889.

Submission:

Natera, Inc.
Classification: Likely pathogenic for Autosomal recessive polycystic kidney disease. Last evaluated: 2025-12-21. Review status: criteria provided, single submitter. Criteria: Natera Variant Classification Schema (03/2026). Collection method: clinical testing. Allele origin: germline.
Comment: The c.7266C>A variant in PKHD1 is a nonsense variant predicted to introduce a stop codon at amino acid 2422. This variant is expected to result in nonsense mediated decay, truncation, or a dysfunctional protein product. This variant is rare in the general population with a frequency below the threshold expected for the associated phenotype(s). Given the available evidence, this variant is classified as Likely Pathogenic.

NM_138694.4(PKHD1):c.7266C>A (p.Cys2422Ter)

Gene: PKHD1 (PKHD1 ciliary IPT domain containing fibrocystin/polyductin; minus strand). Cytogenetic location: 6p12.2.
Variant type: single nucleotide variant.
Coding change: c.7266C>A on transcript NM_138694.4 (MANE Select); coding-DNA position 7266, C replaced by A.
Protein change: p.Cys2422Ter; replaces cysteine 2422 with a stop codon.
Molecular consequence: nonsense.
Genome position (GRCh38, 1-based): chr6:51,883,177, G>T on the plus strand (C>A on the coding strand, the complement: PKHD1 is on the minus strand). VCF-style: chr6-51883177-G-T. GRCh37 (hg19) VCF-style: chr6-51747975-G-T.
Other names: c.7266C>A, p.Cys2422Ter (NM_170724.3); short protein forms C2422*.
Identifiers: ClinVar variation 4816739 (VCV004816739.1).